The following is an entry in ClinVar:

NM_001101362.3(KBTBD13):c.212C>G (p.Ala71Gly)

Gene: KBTBD13 (kelch repeat and BTB domain containing 13; plus strand). Cytogenetic location: 15q22.31.
Variant type: single nucleotide variant.
Coding change: c.212C>G on transcript NM_001101362.3 (MANE Select); coding-DNA position 212, C replaced by G.
Protein change: p.Ala71Gly; replaces alanine 71 with glycine.
Molecular consequence: missense variant.
Genome position (GRCh38, 1-based): chr15:65,077,027, C>G. VCF-style: chr15-65077027-C-G. GRCh37 (hg19) VCF-style: chr15-65369365-C-G.
Other names: short protein forms A71G.
Identifiers: ClinVar variation 3703704 (VCV003703704.2).

ClinVar aggregate classification (germline): Uncertain significance (1 of 4 stars; one submission).

Conditions:
Nemaline myopathy 6 (NEM6). Also called: Nemaline myopathy 6, autosomal dominant. Identifiers: Orphanet 171439, MedGen C1836472, MONDO:0012237, OMIM 609273.

gnomAD v4.1: 1 of 1,498,392 alleles (0.000067%); highest among the groups gnomAD compares: Non-Finnish European, 0.000089%; no homozygotes.

Submission:

Labcorp Genetics (formerly Invitae), Labcorp
Classification: Uncertain significance for Nemaline myopathy 6. Last evaluated: 2024-10-11. Review status: criteria provided, single submitter. Criteria: Invitae Variant Classification Sherloc (09022015). Collection method: clinical testing. Allele origin: germline.
Comment: This sequence change replaces alanine, which is neutral and non-polar, with glycine, which is neutral and non-polar, at codon 71 of the KBTBD13 protein (p.Ala71Gly). This variant is not present in population databases (gnomAD no frequency). This variant has not been reported in the literature in individuals affected with KBTBD13-related conditions. Invitae Evidence Modeling of protein sequence and biophysical properties (such as structural, functional, and spatial information, amino acid conservation, physicochemical variation, residue mobility, and thermodynamic stability) indicates that this missense variant is not expected to disrupt KBTBD13 protein function with a negative predictive value of 80%. In summary, the available evidence is currently insufficient to determine the role of this variant in disease. Therefore, it has been classified as a Variant of Uncertain Significance.